The following is an entry in ClinVar:

ClinVar aggregate classification (germline): Pathogenic. Review status: criteria provided, single submitter (1 of 4 stars). 4 submissions from 4 submitters: Pathogenic (1). 3 of the submissions do not count toward it. Last evaluated 2019-10-02.

Conditions:
Charcot-Marie-Tooth disease. Also called: Charcot-Marie-Tooth Neuropathy; Charcot-Marie-Tooth Hereditary Neuropathy. Identifiers: Orphanet 166, MedGen C0007959, MONDO:0015626.
Yunis-Varon syndrome (YVS). Also called: Cleidocranial dysplasia, micrognathia, absent thumbs, & distal aphalangia. Identifiers: Orphanet 3472, MedGen C1857663, MONDO:0008995, OMIM 216340.
Charcot-Marie-Tooth disease type 4J (CMT4J). Also called: CHARCOT-MARIE-TOOTH DISEASE, DEMYELINATING, TYPE 4J; Charcot-Marie-Tooth Neuropathy Type 4J; CHARCOT-MARIE-TOOTH DISEASE, AUTOSOMAL RECESSIVE, TYPE 4J. Identifiers: Orphanet 139515, MedGen C1970011, MONDO:0012640, OMIM 611228.

Submissions (4):

Centre for Mendelian Genomics, University Medical Centre Ljubljana
Classification: Pathogenic for Yunis-Varon syndrome. Last evaluated: 2019-10-02. Review status: criteria provided, single submitter. Criteria: ACMG Guidelines, 2015. Collection method: clinical testing. Allele origin: unknown. Affected: yes.
Comment: This variant was classified as: Pathogenic. The following ACMG criteria were applied in classifying this variant: PVS1,PM2.

Inherited Neuropathy Consortium Ii, University Of Miami
Classification: Uncertain significance for Charcot-Marie-Tooth disease type 4J. Last evaluated: 2016-01-06. Review status: no assertion criteria provided. Collection method: literature only. Allele origin: germline. Affected: yes. Not counted in ClinVar's aggregate classification.

OMIM
Classification: Pathogenic for CHARCOT-MARIE-TOOTH DISEASE, DEMYELINATING, TYPE 4J. Last evaluated: 2007-07-05. Review status: no assertion criteria provided. Collection method: literature only. Allele origin: germline. Not counted in ClinVar's aggregate classification.

Inherited Neuropathy Consortium
Classification: Uncertain significance for Charcot-Marie-Tooth disease. Review status: no assertion criteria provided. Collection method: literature only. Allele origin: germline. Affected: yes. Not counted in ClinVar's aggregate classification.

Literature cited by the submitters: PubMed 17572665 (cited by 3 submitters).

NM_014845.6(FIG4):c.294del (p.Phe98fs)

Gene: FIG4 (FIG4 phosphoinositide 5-phosphatase; plus strand). Cytogenetic location: 6q21.
Variant type: Deletion.
Coding change: c.294del on transcript NM_014845.6 (MANE Select); coding-DNA position 294, one base deleted (T; older notation c.294delT).
Protein change: p.Phe98fs; shifts the reading frame from phenylalanine 98.
Molecular consequence: frameshift variant.
Genome position (GRCh38, 1-based): chr6:109,727,113, T deleted; the last of 4 consecutive T bases (chr6:109,727,110-109,727,113); deleting any one gives the same sequence. VCF-style (leftmost placement, unchanged base first): chr6-109727109-GT-G. GRCh37 (hg19) VCF-style: chr6-110048312-GT-G.
Other names: c.294delT (NM_014845.5); short protein forms F98fs.
Identifiers: ClinVar variation 1722 (VCV000001722.7), dbSNP rs1562648373, ClinGen allele CA913189905.
Genomic context (GRCh38, chr6:109,727,109, plus strand): 5'-GCATCTAAAAGCCATTACTAAGTTTATAAAGCATATTTCTCTTTATTTTTTGTTGCATAG[GT>G]TTTGTCAGGTTCTTAGAAGGCTATTATATTGTGTTAATAACTAAAAGGAGGAAGATGGCG-3'